The following is an entry in ClinVar:

ClinVar aggregate classification (germline): Benign. Review status: criteria provided, multiple submitters, no conflicts (2 of 4 stars). 14 submissions from 14 submitters: Benign (11). 3 of the submissions do not count toward it. Last evaluated 2026-02-04.

Conditions:
Cardiovascular phenotype. Identifiers: MedGen CN230736.
Distal myopathy with posterior leg and anterior hand involvement. Also called: WILLIAMS DISTAL MYOPATHY. Identifiers: Orphanet 63273, MedGen C3279722, MONDO:0013550, OMIM 614065.
Myofibrillar myopathy 5. Also called: Filaminopathy (type); FILAMINOPATHY, AUTOSOMAL DOMINANT. Identifiers: Orphanet 171445, MedGen C1836050, MONDO:0012289, OMIM 609524.
Hypertrophic cardiomyopathy 26. Also called: Cardiomyopathy, familial hypertrophic, 26. Identifiers: Orphanet 75249, MedGen C4310749, MONDO:0014883, OMIM 617047.

Allele frequency attached by ClinVar (database versions not stated): gnomAD exomes 0.08140; ExAC 0.08354; ESP Exome Variant Server 0.10550; gnomAD 0.11737 and 0.11830; TOPMed 0.13161; 1000 Genomes Project 0.19609; 1000 Genomes Project 30x 0.20034.
gnomAD v4.1: 73,350 of 1,614,004 alleles (4.5%); highest among the groups gnomAD compares: African/African-American, 31%; 6,687 homozygotes.

Submissions (14):

Labcorp Genetics (formerly Invitae), Labcorp
Classification: Benign for Distal myopathy with posterior leg and anterior hand involvement; Myofibrillar myopathy 5; Hypertrophic cardiomyopathy 26. Last evaluated: 2026-02-04. Review status: criteria provided, single submitter. Criteria: Invitae Variant Classification Sherloc (09022015). Collection method: clinical testing. Allele origin: germline.

Molecular Diagnostic Laboratory for Inherited Cardiovascular Disease, Montreal Heart Institute
Classification: Benign. Last evaluated: 2025-04-09. Review status: criteria provided, single submitter. Criteria: ACMG Guidelines, 2015. Collection method: clinical testing. Allele origin: germline. Affected: no.

Women's Health and Genetics/Laboratory Corporation of America, LabCorp
Classification: Benign. Last evaluated: 2023-04-10. Review status: criteria provided, single submitter. Criteria: LabCorp Variant Classification Summary - May 2015. Collection method: clinical testing. Allele origin: germline.

Mayo Clinic Laboratories, Mayo Clinic
Classification: Benign. Last evaluated: 2022-04-26. Review status: criteria provided, single submitter. Criteria: ACMG Guidelines, 2015. Collection method: clinical testing. Allele origin: germline. Observed: 238 variant alleles.

Ambry Genetics
Classification: Benign for Cardiovascular phenotype. Last evaluated: 2018-12-26. Review status: criteria provided, single submitter. Criteria: Ambry Variant Classification Scheme 2023. Collection method: clinical testing. Allele origin: germline.

Athena Diagnostics
Classification: Benign. Last evaluated: 2017-12-13. Review status: criteria provided, single submitter. Criteria: Athena Diagnostics Criteria. Collection method: clinical testing. Allele origin: germline.

GeneDx
Classification: Benign. Last evaluated: 2016-02-12. Review status: criteria provided, single submitter. Criteria: GeneDx Variant Classification (06012015). Collection method: clinical testing. Allele origin: germline. Affected: yes.
Comment: This variant is considered likely benign or benign based on one or more of the following criteria: it is a conservative change, it occurs at a poorly conserved position in the protein, it is predicted to be benign by multiple in silico algorithms, and/or has population frequency not consistent with disease.

Laboratory for Molecular Medicine, Mass General Brigham Personalized Medicine
Classification: Benign. Last evaluated: 2015-01-13. Review status: criteria provided, single submitter. Criteria: LMM Criteria. Collection method: clinical testing. Allele origin: germline. Observed: 1 variant allele.
Comment: p.Pro486Pro in exon 9 of FLNC: This variant is not expected to have clinical sig nificance because it does not alter an amino acid residue and is not located wit hin the splice consensus sequence. It has been identified in 28.9% (1144/3952) o f African American chromosomes from a broad population by the NHLBI Exome Sequen cing Project (dbSNP rs2291563).

Genetic Services Laboratory, University of Chicago
Classification: Benign for AllHighlyPenetrant. Last evaluated: 2013-08-15. Review status: criteria provided, single submitter. Criteria: ACMG Guidelines, 2007. Collection method: clinical testing. Allele origin: germline. Inheritance: Autosomal dominant inheritance.

Breakthrough Genomics
Classification: Benign. Review status: criteria provided, single submitter. Criteria: ACMG Guidelines, 2015. Collection method: not provided. Allele origin: germline. Inheritance: Autosomal dominant inheritance. Affected: yes.

PreventionGenetics, part of Exact Sciences
Classification: Benign. Review status: criteria provided, single submitter. Criteria: ACMG Guidelines, 2015. Collection method: clinical testing. Allele origin: germline.

Clinical Genetics, Academic Medical Center
Classification: Benign. Review status: no assertion criteria provided. Collection method: clinical testing. Allele origin: germline. Affected: yes. Study: VKGL Data-share Consensus. Not counted in ClinVar's aggregate classification.

Genome Diagnostics Laboratory, University Medical Center Utrecht
Classification: Benign. Review status: no assertion criteria provided. Collection method: clinical testing. Allele origin: germline. Affected: yes. Study: VKGL Data-share Consensus. Not counted in ClinVar's aggregate classification.

Joint Genome Diagnostic Labs from Nijmegen and Maastricht, Radboudumc and MUMC+
Classification: Benign. Review status: no assertion criteria provided. Collection method: clinical testing. Allele origin: germline. Affected: yes. Study: VKGL Data-share Consensus. Not counted in ClinVar's aggregate classification.

NM_001458.5(FLNC):c.1458C>A (p.Pro486=)

Gene: FLNC (filamin C; plus strand). Cytogenetic location: 7q32.1.
Variant type: single nucleotide variant.
Coding change: c.1458C>A on transcript NM_001458.5 (MANE Select); coding-DNA position 1458, C replaced by A.
Protein change: p.Pro486=; no amino-acid change (proline 486 retained).
Molecular consequence: synonymous variant.
Genome position (GRCh38, 1-based): chr7:128,840,069, C>A. VCF-style: chr7-128840069-C-A. GRCh37 (hg19) VCF-style: chr7-128480123-C-A.
Other names: p.Pro486=; c.1458C>A, p.Pro486= (NM_001127487.2).
Identifiers: ClinVar variation 129080 (VCV000129080.28), dbSNP rs2291563, ClinGen allele CA152832.